The following is an entry in ClinVar:

NM_004415.4(DSP):c.2368dup (p.Arg790fs)

Gene: DSP (desmoplakin; plus strand). Cytogenetic location: 6p24.3.
Variant type: Duplication.
Coding change: c.2368dup on transcript NM_004415.4 (MANE Select); coding-DNA position 2368, one base duplicated (A; older notation c.2368dupA).
Protein change: p.Arg790fs; shifts the reading frame from arginine 790.
Molecular consequence: frameshift variant.
Genome position (GRCh38, 1-based): chr6:7,574,727, A duplicated. VCF-style (leftmost placement, unchanged base first): chr6-7574726-C-CA. GRCh37 (hg19) VCF-style: chr6-7574959-C-CA.
Other names: c.2368dup, p.Arg790fs (NM_001008844.3, NM_001319034.2); c.2368dupA (NM_004415.2); short protein forms R790fs.
Identifiers: ClinVar variation 5035647 (VCV005035647.1).

ClinVar aggregate classification (germline): Pathogenic (1 of 4 stars; one submission).

Conditions:
Cardiovascular phenotype. Identifiers: MedGen CN230736.

Submission:

Ambry Genetics
Classification: Pathogenic for Cardiovascular phenotype. Last evaluated: 2026-07-20. Review status: criteria provided, single submitter. Criteria: Ambry Variant Classification Scheme 2023. Collection method: clinical testing. Allele origin: germline.
Comment: The c.2368dupA pathogenic mutation, located in coding exon 17 of the DSP gene, results from a duplication of A at nucleotide position 2368, causing a translational frameshift with a predicted alternate stop codon (p.R790Kfs*4). This variant is considered to be rare based on population cohorts in the Genome Aggregation Database (gnomAD). This alteration is expected to result in loss of function by premature protein truncation or nonsense-mediated mRNA decay. As such, this alteration is interpreted as a disease-causing mutation.